The following is an entry in ClinVar:

NM_015221.4(DNMBP):c.2492T>C (p.Met831Thr)

Gene: DNMBP (dynamin binding protein; minus strand). Cytogenetic location: 10q24.2.
Variant type: single nucleotide variant.
Coding change: c.2492T>C on transcript NM_015221.4 (MANE Select); coding-DNA position 2492, T replaced by C.
Protein change: p.Met831Thr; replaces methionine 831 with threonine.
Molecular consequence: missense variant.
Genome position (GRCh38, 1-based): chr10:99,908,057, A>G on the plus strand (T>C on the coding strand, the complement: DNMBP is on the minus strand). VCF-style: chr10-99908057-A-G. GRCh37 (hg19) VCF-style: chr10-101667814-A-G.
Other names: c.1388T>C, p.Met463Thr (NM_001318326.2); c.230T>C, p.Met77Thr (NM_001318327.2); short protein forms M119T, M463T, M831T, M77T.
Identifiers: ClinVar variation 3055250 (VCV003055250.2), dbSNP rs17854134, ClinGen allele CA5644910.
Genomic context (GRCh38, chr10:99,908,057, plus strand): 5'-ACAGCATCGCTGATTTCCAGAGCAGCCAATAATTGCTTCGAGACCTTAATCACCATCTGC[A>G]TATTTCCAAAAAGTCCCTCAAAATCAATGTTTGGTACCTGAGAAAAGGAAACAAAACATA-3'
Protein context (NP_056036.1, residues 821-841): NIDFEGLFGN[Met831Thr]QMVIKVSKQL

ClinVar aggregate classification (germline): Benign (0 of 4 stars; one submission).

Conditions:
DNMBP-related disorder. Also called: DNMBP-related condition.

Allele frequency attached by ClinVar (database versions not stated): 1000 Genomes Project 30x 0.00812; 1000 Genomes Project 0.00879; TOPMed 0.01711; gnomAD 0.02003; ExAC 0.02278; ESP Exome Variant Server 0.02345; gnomAD exomes 0.02907.
gnomAD v4.1: 45,187 of 1,612,182 alleles (2.8%); highest among the groups gnomAD compares: Non-Finnish European, 3.4%; 787 homozygotes.

Submission:

PreventionGenetics, part of Exact Sciences
Classification: Benign for DNMBP-related condition. Last evaluated: 2019-05-28. Review status: no assertion criteria provided. Collection method: clinical testing. Allele origin: germline.
Comment: This variant is classified as benign based on ACMG/AMP sequence variant interpretation guidelines (Richards et al. 2015 PMID: 25741868, with internal and published modifications).